The following is an entry in ClinVar:

NM_000548.5(TSC2):c.5189C>T (p.Ser1730Phe)

Gene: TSC2 (TSC complex subunit 2; plus strand). Cytogenetic location: 16p13.3.
Variant type: single nucleotide variant.
Coding change: c.5189C>T on transcript NM_000548.5 (MANE Select); coding-DNA position 5189, C replaced by T.
Protein change: p.Ser1730Phe; replaces serine 1730 with phenylalanine.
Molecular consequence: missense variant.
Genome position (GRCh38, 1-based): chr16:2,088,255, C>T. VCF-style: chr16-2088255-C-T. GRCh37 (hg19) VCF-style: chr16-2138256-C-T.
Other names: c.4457C>T, p.Ser1486Phe (NM_001318831.2); c.5021C>T, p.Ser1674Phe (NM_001318832.2); c.4991C>T, p.Ser1664Phe (NM_001363528.2); c.5057C>T, p.Ser1686Phe (NM_001370404.1); c.5048C>T, p.Ser1683Phe (NM_001370405.1); c.5186C>T, p.Ser1729Phe (NM_001406663.1); c.5117C>T, p.Ser1706Phe (NM_001406664.1); c.5111C>T, p.Ser1704Phe (NM_001406665.1); and 27 more; short protein forms S1239F, S1463F, S1506F, S1510F, S1530F, S1615F, S1663F, S1664F.
Identifiers: ClinVar variation 2115345 (VCV002115345.4), dbSNP rs2091134565, ClinGen allele CA394314151.

ClinVar aggregate classification (germline): Uncertain significance (1 of 4 stars; one submission).

Conditions:
Tuberous sclerosis 2 (TSC2). Identifiers: Orphanet 805, MedGen C1860707, MONDO:0013199, OMIM 613254.

Allele frequency attached by ClinVar (database versions not stated): gnomAD 0.00001.
gnomAD v4.1: 4 of 1,608,168 alleles (0.00025%); highest among the groups gnomAD compares: South Asian, 0.0011%; no homozygotes.

Submission:

Labcorp Genetics (formerly Invitae), Labcorp
Classification: Uncertain significance for Tuberous sclerosis 2. Last evaluated: 2022-03-21. Review status: criteria provided, single submitter. Criteria: Invitae Variant Classification Sherloc (09022015). Collection method: clinical testing. Allele origin: germline.
Comment: This sequence change replaces serine, which is neutral and polar, with phenylalanine, which is neutral and non-polar, at codon 1730 of the TSC2 protein (p.Ser1730Phe). This variant is not present in population databases (gnomAD no frequency). This variant has not been reported in the literature in individuals affected with TSC2-related conditions. Advanced modeling of protein sequence and biophysical properties (such as structural, functional, and spatial information, amino acid conservation, physicochemical variation, residue mobility, and thermodynamic stability) performed at Invitae indicates that this missense variant is not expected to disrupt TSC2 protein function. In summary, the available evidence is currently insufficient to determine the role of this variant in disease. Therefore, it has been classified as a Variant of Uncertain Significance.